The following is an entry in ClinVar:

ClinVar aggregate classification (germline): Uncertain significance (1 of 4 stars; one submission).

Allele frequency attached by ClinVar (database versions not stated): gnomAD exomes below 0.00001; ExAC 0.00002.
gnomAD v4.1: 3 of 1,614,006 alleles (0.00019%); highest among the groups gnomAD compares: Non-Finnish European, 0.00025%; no homozygotes.

Submission:

Athena Diagnostics
Classification: Uncertain significance. Last evaluated: 2022-12-07. Review status: criteria provided, single submitter. Criteria: Athena Diagnostics Criteria. Collection method: clinical testing. Allele origin: unknown.
Comment: Available data are insufficient to determine the clinical significance of the variant at this time. The frequency of this variant in the general population is uninformative in assessment of its pathogenicity. Computational tools disagree on the variant's effect on normal protein function.

NM_182961.4(SYNE1):c.2501T>A (p.Ile834Asn)

Gene: SYNE1 (spectrin repeat containing nuclear envelope protein 1; minus strand). Cytogenetic location: 6q25.2.
Variant type: single nucleotide variant.
Coding change: c.2501T>A on transcript NM_182961.4 (MANE Select); coding-DNA position 2501, T replaced by A.
Protein change: p.Ile834Asn; replaces isoleucine 834 with asparagine.
Molecular consequence: missense variant.
Genome position (GRCh38, 1-based): chr6:152,458,824, A>T on the plus strand (T>A on the coding strand, the complement: SYNE1 is on the minus strand). VCF-style: chr6-152458824-A-T. GRCh37 (hg19) VCF-style: chr6-152779959-A-T.
Other names: c.2522T>A, p.Ile841Asn (NM_033071.5); short protein forms I834N, I841N.
Identifiers: ClinVar variation 2684055 (VCV002684055.1), dbSNP rs774779391, ClinGen allele CA4059122.